The following is an entry in ClinVar:

NM_001174147.2(LMX1B):c.442C>T (p.Arg148Trp)

Gene: LMX1B (LIM homeobox transcription factor 1 beta; plus strand). Cytogenetic location: 9q33.3.
Variant type: single nucleotide variant.
Coding change: c.442C>T on transcript NM_001174147.2 (MANE Select); coding-DNA position 442, C replaced by T.
Protein change: p.Arg148Trp; replaces arginine 148 with tryptophan.
Molecular consequence: missense variant.
Genome position (GRCh38, 1-based): chr9:126,690,951, C>T. VCF-style: chr9-126690951-C-T. GRCh37 (hg19) VCF-style: chr9-129453230-C-T.
Other names: c.442C>T, p.Arg148Trp (NM_001174146.2, NM_002316.4); short protein forms R148W.
Identifiers: ClinVar variation 1723475 (VCV001723475.3), dbSNP rs2490682697, ClinGen allele CA374912480.

ClinVar aggregate classification (germline): Uncertain significance (1 of 4 stars; one submission).

Allele frequency attached by ClinVar (database versions not stated): gnomAD exomes below 0.00001.
gnomAD v4.1: 1 of 1,614,000 alleles (0.000062%); highest among the groups gnomAD compares: Non-Finnish European, 0.000085%; no homozygotes.

Submission:

GeneDx
Classification: Uncertain significance. Last evaluated: 2024-10-15. Review status: criteria provided, single submitter. Criteria: GeneDx Variant Classification Process June 2021. Collection method: clinical testing. Allele origin: germline. Affected: yes.
Comment: Not observed at significant frequency in large population cohorts (gnomAD); In silico analysis supports that this missense variant has a deleterious effect on protein structure/function; Has not been previously published as pathogenic or benign to our knowledge